The following is an entry in ClinVar:

ClinVar aggregate classification (germline): Likely pathogenic (1 of 4 stars; one submission).

Allele frequency attached by ClinVar (database versions not stated): gnomAD exomes below 0.00001.
gnomAD v4.1: 1 of 1,185,019 alleles (0.000084%); highest among the groups gnomAD compares: Non-Finnish European, 0.00011%; no homozygotes.

Submission:

Labcorp Genetics (formerly Invitae), Labcorp
Classification: Likely pathogenic. Last evaluated: 2023-10-22. Review status: criteria provided, single submitter. Criteria: Invitae Variant Classification Sherloc (09022015). Collection method: clinical testing. Allele origin: germline.
Comment: This sequence change replaces isoleucine, which is neutral and non-polar, with asparagine, which is neutral and polar, at codon 123 of the NDP protein (p.Ile123Asn). This variant is not present in population databases (gnomAD no frequency). This missense change has been observed in individual(s) with Norrie disease (PMID: 7627181; Invitae). Advanced modeling of protein sequence and biophysical properties (such as structural, functional, and spatial information, amino acid conservation, physicochemical variation, residue mobility, and thermodynamic stability) has been performed at Invitae for this missense variant, however the output from this modeling did not meet the statistical confidence thresholds required to predict the impact of this variant on NDP protein function. In summary, the currently available evidence indicates that the variant is pathogenic, but additional data are needed to prove that conclusively. Therefore, this variant has been classified as Likely Pathogenic.

Literature cited by the submitters: PubMed 7627181.

NM_000266.4(NDP):c.368T>A (p.Ile123Asn)

Genes: NDP (norrin cystine knot growth factor NDP; minus strand), NDP-AS1 (NDP antisense RNA 1; plus strand). Cytogenetic location: Xp11.3.
Variant type: single nucleotide variant.
Coding change: c.368T>A on transcript NM_000266.4 (MANE Select); coding-DNA position 368, T replaced by A.
Protein change: p.Ile123Asn; replaces isoleucine 123 with asparagine.
Molecular consequence: missense variant. On other transcripts: non-coding transcript variant (1).
Genome position (GRCh38, 1-based): chrX:43,949,833, A>T on the plus strand (T>A on the coding strand, the complement: NDP is on the minus strand). VCF-style: chrX-43949833-A-T. GRCh37 (hg19) VCF-style: chrX-43809079-A-T.
Other names: short protein forms I123N.
Identifiers: ClinVar variation 2737210 (VCV002737210.3), dbSNP rs2519314807, ClinGen allele CA413007306.